The following is an entry in ClinVar:

ClinVar aggregate classification (germline): Likely benign (0 of 4 stars; one submission).

Conditions:
MTRR-related disorder. Also called: MTRR-related condition.

Allele frequency attached by ClinVar (database versions not stated): 1000 Genomes Project 30x 0.00016; 1000 Genomes Project 0.00020.
gnomAD v4.1: 117 of 1,609,468 alleles (0.0073%); highest among the groups gnomAD compares: South Asian, 0.044%; no homozygotes.

Submission:

PreventionGenetics, part of Exact Sciences
Classification: Likely benign for MTRR-related condition. Last evaluated: 2019-03-22. Review status: no assertion criteria provided. Collection method: clinical testing. Allele origin: germline.
Comment: This variant is classified as likely benign based on ACMG/AMP sequence variant interpretation guidelines (Richards et al. 2015 PMID: 25741868, with internal and published modifications).

NM_002454.3(MTRR):c.-45G>T

Genes: MTRR (5-methyltetrahydrofolate-homocysteine methyltransferase reductase; plus strand), LOC129993631 (ATAC-STARR-seq lymphoblastoid silent region 15904; plus strand). Cytogenetic location: 5p15.31.
Variant type: single nucleotide variant.
Coding change: c.-45G>T on transcript NM_002454.3 (MANE Select); 45 bases upstream of the start codon, G replaced by T.
Molecular consequence: 5 prime UTR variant. On other transcripts: non-coding transcript variant (10), intron variant (1).
Genome position (GRCh38, 1-based): chr5:7,869,196, G>T. VCF-style: chr5-7869196-G-T. GRCh37 (hg19) VCF-style: chr5-7869309-G-T.
Other names: c.-886G>T (NM_001364440.2); c.-548G>T (NM_001364441.2); c.-128G>T (NM_001364442.2); c.-26+7G>T (NM_024010.4).
Identifiers: ClinVar variation 3058082 (VCV003058082.2), dbSNP rs531596693, ClinGen allele CA3195408.